The following is an entry in ClinVar:

ClinVar aggregate classification (germline): Uncertain significance (1 of 4 stars; one submission).

Conditions:
Primary ciliary dyskinesia. Also called: Ciliary dyskinesia. Identifiers: Orphanet 244, MedGen C0008780, MONDO:0016575, HP:0012265.

Allele frequency attached by ClinVar (database versions not stated): gnomAD exomes 0.00002; gnomAD 0.00003; TOPMed 0.00003; ESP Exome Variant Server 0.00008.
gnomAD v4.1: 36 of 1,612,954 alleles (0.0022%); highest among the groups gnomAD compares: Non-Finnish European, 0.0031%; no homozygotes.

Submission:

Labcorp Genetics (formerly Invitae), Labcorp
Classification: Uncertain significance for Primary ciliary dyskinesia. Last evaluated: 2022-05-29. Review status: criteria provided, single submitter. Criteria: Invitae Variant Classification Sherloc (09022015). Collection method: clinical testing. Allele origin: germline.
Comment: This sequence change replaces asparagine, which is neutral and polar, with serine, which is neutral and polar, at codon 908 of the DNAH5 protein (p.Asn908Ser). This variant is present in population databases (rs146576780, gnomAD 0.0009%). This variant has not been reported in the literature in individuals affected with DNAH5-related conditions. Advanced modeling of protein sequence and biophysical properties (such as structural, functional, and spatial information, amino acid conservation, physicochemical variation, residue mobility, and thermodynamic stability) performed at Invitae indicates that this missense variant is not expected to disrupt DNAH5 protein function. Algorithms developed to predict the effect of sequence changes on RNA splicing suggest that this variant may disrupt the consensus splice site. In summary, the available evidence is currently insufficient to determine the role of this variant in disease. Therefore, it has been classified as a Variant of Uncertain Significance.

NM_001369.3(DNAH5):c.2723A>G (p.Asn908Ser)

Genes: DNAH5 (dynein axonemal heavy chain 5; minus strand), DNAH5-AS1 (DNAH5 antisense RNA 1; plus strand). Cytogenetic location: 5p15.2.
Variant type: single nucleotide variant.
Coding change: c.2723A>G on transcript NM_001369.3 (MANE Select); coding-DNA position 2723, A replaced by G.
Protein change: p.Asn908Ser; replaces asparagine 908 with serine.
Molecular consequence: missense variant.
Genome position (GRCh38, 1-based): chr5:13,885,984, T>C on the plus strand (A>G on the coding strand, the complement: DNAH5 is on the minus strand). VCF-style: chr5-13885984-T-C. GRCh37 (hg19) VCF-style: chr5-13886093-T-C.
Other names: short protein forms N908S.
Identifiers: ClinVar variation 2139843 (VCV002139843.1), dbSNP rs146576780, ClinGen allele CA113933724.